The following is an entry in ClinVar:

ClinVar aggregate classification (germline): Pathogenic. Review status: criteria provided, multiple submitters, no conflicts (2 of 4 stars). 2 submissions from 2 submitters: Pathogenic (2). Last evaluated 2024-10-18.

Conditions:
Bethlem myopathy 1A. Also called: Bethlem Muscular Dystrophy; MYOPATHY, BENIGN CONGENITAL, WITH CONTRACTURES; Bethlem myopathy 1. Identifiers: Orphanet 610, MedGen CN029274, MONDO:0024530, OMIM 158810.

Allele frequency attached by ClinVar (database versions not stated): gnomAD exomes below 0.00001 and 0.00001.
gnomAD v4.1: 11 of 1,611,448 alleles (0.00068%); highest among the groups gnomAD compares: South Asian, 0.0022%; no homozygotes.

Submissions (2):

Labcorp Genetics (formerly Invitae), Labcorp
Classification: Pathogenic for Bethlem myopathy 1A. Last evaluated: 2024-10-18. Review status: criteria provided, single submitter. Criteria: Invitae Variant Classification Sherloc (09022015). Collection method: clinical testing. Allele origin: germline.
Comment: This sequence change creates a premature translational stop signal (p.Arg271*) in the COL6A1 gene. It is expected to result in an absent or disrupted protein product. Loss-of-function variants in COL6A1 are known to be pathogenic (PMID: 19884007, 20976770). This variant is present in population databases (no rsID available, gnomAD 0.003%). This variant has not been reported in the literature in individuals affected with COL6A1-related conditions. ClinVar contains an entry for this variant (Variation ID: 497373). For these reasons, this variant has been classified as Pathogenic.

Eurofins Ntd Llc (ga)
Classification: Pathogenic. Last evaluated: 2016-10-17. Review status: criteria provided, single submitter. Criteria: EGL Classification Definitions 2015. Collection method: clinical testing. Allele origin: germline. Observed: 1 variant allele, 1 heterozygote.

Literature cited by the submitters: PubMed 19884007 (cited by Labcorp Genetics (formerly Invitae), Labcorp); PubMed 20976770 (cited by Labcorp Genetics (formerly Invitae), Labcorp).

NM_001848.3(COL6A1):c.811C>T (p.Arg271Ter)

Gene: COL6A1 (collagen type VI alpha 1 chain; plus strand). Cytogenetic location: 21q22.3.
Variant type: single nucleotide variant.
Coding change: c.811C>T on transcript NM_001848.3 (MANE Select); coding-DNA position 811, C replaced by T.
Protein change: p.Arg271Ter; replaces arginine 271 with a stop codon.
Molecular consequence: nonsense.
Genome position (GRCh38, 1-based): chr21:45,989,090, C>T. VCF-style: chr21-45989090-C-T. GRCh37 (hg19) VCF-style: chr21-47409004-C-T.
Other names: short protein forms R271*.
Identifiers: ClinVar variation 497373 (VCV000497373.12), dbSNP rs1391624796, ClinGen allele CA410521397.